The following is an entry in ClinVar:

ClinVar aggregate classification (germline): Uncertain significance. Review status: criteria provided, multiple submitters, no conflicts (2 of 4 stars). 5 submissions from 5 submitters: Uncertain significance (5). Last evaluated 2023-09-01.

Conditions:
Developmental delay with autism spectrum disorder and gait instability (MRT38). Also called: Intellectual developmental disorder, autosomal recessive 38. Identifiers: Orphanet 329195, MedGen C3809753, MONDO:0014224, OMIM 615516.
Inborn genetic diseases. Identifiers: MedGen C0950123, MeSH D030342.

Allele frequency attached by ClinVar (database versions not stated): ESP Exome Variant Server 0.00015; gnomAD 0.00021 and 0.00024; gnomAD exomes 0.00028 and 0.00030; ExAC 0.00035.
gnomAD v4.1: 436 of 1,613,618 alleles (0.027%); highest among the groups gnomAD compares: Middle Eastern, 0.034%; no homozygotes.

Submissions (5):

CeGaT Center for Human Genetics Tuebingen
Classification: Uncertain significance. Last evaluated: 2023-09-01. Review status: criteria provided, single submitter. Criteria: CeGaT Center For Human Genetics Tuebingen Variant Classification Criteria Version 2. Collection method: clinical testing. Allele origin: germline. Affected: yes. Observed: 2 variant alleles.
Comment: HERC2: PM2, PP2

Ambry Genetics
Classification: Uncertain significance for Inborn genetic diseases. Last evaluated: 2022-06-21. Review status: criteria provided, single submitter. Criteria: Ambry Variant Classification Scheme 2023. Collection method: clinical testing. Allele origin: germline.

GeneDx
Classification: Uncertain significance. Last evaluated: 2021-08-18. Review status: criteria provided, single submitter. Criteria: GeneDx Variant Classification Process June 2021. Collection method: clinical testing. Allele origin: germline. Affected: yes.
Comment: In silico analysis supports that this missense variant does not alter protein structure/function; Has not been previously published as pathogenic or benign to our knowledge

New York Genome Center
Classification: Uncertain significance for Developmental delay with autism spectrum disorder and gait instability. Last evaluated: 2020-04-28. Review status: criteria provided, single submitter. Criteria: NYGC Assertion Criteria 2020. Collection method: clinical testing. Allele origin: inherited. Observed: 1 compound heterozygote. Study: CSER-NYCKidSeq.
Comment: The inherited p.Thr3331Met in the HERC2 gene has not been reported in the literature in individuals with neurological disorders. The variant has 0.0002804 allele frequency (79 out of 281,724 heterozygous alleles) in the gnomAD database indicating it is a rare allele in the general population. The variant affects moderately conserved residues. In silico prediction tools provide conflicting interpretations about the potential deleterious effects on normal protein function. Based on the available evidence, the inherited p.Thr3331Met varaint in the HERC2 gene is assessed as a variant of uncertain significance.

Breakthrough Genomics
Classification: Uncertain significance. Review status: criteria provided, single submitter. Criteria: ACMG Guidelines, 2015. Collection method: not provided. Allele origin: germline. Inheritance: Autosomal recessive inheritance. Affected: yes.

NM_004667.6(HERC2):c.9992C>T (p.Thr3331Met)

Gene: HERC2 (HECT and RLD domain containing E3 ubiquitin protein ligase 2; minus strand). Cytogenetic location: 15q13.1.
Variant type: single nucleotide variant.
Coding change: c.9992C>T on transcript NM_004667.6 (MANE Select); coding-DNA position 9992, C replaced by T.
Protein change: p.Thr3331Met; replaces threonine 3331 with methionine.
Molecular consequence: missense variant.
Genome position (GRCh38, 1-based): chr15:28,174,460, G>A on the plus strand (C>T on the coding strand, the complement: HERC2 is on the minus strand). VCF-style: chr15-28174460-G-A. GRCh37 (hg19) VCF-style: chr15-28419606-G-A.
Other names: c.9992C>T (NM_004667.4); short protein forms T3331M.
Identifiers: ClinVar variation 1318885 (VCV001318885.30), dbSNP rs140440992, ClinGen allele CA7440994.